The following is an entry in ClinVar:

ClinVar aggregate classification (germline): Likely benign. Review status: criteria provided, multiple submitters, no conflicts (2 of 4 stars). 3 submissions from 3 submitters: Likely benign (3). Last evaluated 2025-08-20.

Conditions:
ABCA4-related disorder. Also called: ABCA4-related condition; ABCA4-related disorders. Identifiers: MedGen CN239167.

Allele frequency attached by ClinVar (database versions not stated): gnomAD 0.00005; TOPMed 0.00007; ESP Exome Variant Server 0.00015; gnomAD exomes 0.00001; ExAC 0.00002.
gnomAD v4.1: 22 of 1,614,174 alleles (0.0014%); highest among the groups gnomAD compares: African/African-American, 0.02%; no homozygotes.

Submissions (3):

PreventionGenetics, part of Exact Sciences
Classification: Likely benign for ABCA4-related condition. Last evaluated: 2025-08-20. Review status: criteria provided, single submitter. Criteria: ACMG Guidelines, 2015. Collection method: clinical testing. Allele origin: germline.
Comment: This variant is classified as likely benign based on ACMG/AMP sequence variant interpretation guidelines (Richards et al. 2015 PMID: 25741868, with internal and published modifications).

Labcorp Genetics (formerly Invitae), Labcorp
Classification: Likely benign. Last evaluated: 2024-05-28. Review status: criteria provided, single submitter. Criteria: Invitae Variant Classification Sherloc (09022015). Collection method: clinical testing. Allele origin: germline.

Blueprint Genetics
Classification: Likely benign. Last evaluated: 2022-10-11. Review status: criteria provided, single submitter. Criteria: ACMG Guidelines, 2015. Collection method: clinical testing. Allele origin: germline.

NM_000350.3(ABCA4):c.4020A>G (p.Pro1340=)

Gene: ABCA4 (ATP binding cassette subfamily A member 4; minus strand). Cytogenetic location: 1p22.1.
Variant type: single nucleotide variant.
Coding change: c.4020A>G on transcript NM_000350.3 (MANE Select); coding-DNA position 4020, A replaced by G.
Protein change: p.Pro1340=; no amino-acid change (proline 1340 retained).
Molecular consequence: synonymous variant.
Genome position (GRCh38, 1-based): chr1:94,031,886, T>C on the plus strand (A>G on the coding strand, the complement: ABCA4 is on the minus strand). VCF-style: chr1-94031886-T-C. GRCh37 (hg19) VCF-style: chr1-94497442-T-C.
Other names: c.3798A>G, p.Pro1266= (NM_001425324.1); c.4020A>G (NM_000350.2).
Identifiers: ClinVar variation 1932083 (VCV001932083.7), dbSNP rs372425513, ClinGen allele CA957745.